The following is an entry in ClinVar:

ClinVar aggregate classification (germline): Uncertain significance. Review status: criteria provided, multiple submitters, no conflicts (2 of 4 stars). 2 submissions from 2 submitters: Uncertain significance (2). Last evaluated 2021-10-20.

Conditions:
Neurogenic scapuloperoneal syndrome, Kaeser type (SCPNK). Also called: KAESER SYNDROME. Identifiers: Orphanet 85146, MedGen C1867005, MONDO:0008407, OMIM 181400.
Desmin-related myofibrillar myopathy (MFM1). Also called: Desminopathy; MYOFIBRILLAR MYOPATHY WITH ARRHYTHMOGENIC RIGHT VENTRICULAR CARDIOMYOPATHY; DESMIN-RELATED MYOPATHY WITH ARRHYTHMOGENIC RIGHT VENTRICULAR CARDIOMYOPATHY; Myofibrillar myopathy 1; Desmin related myopathy (former name); Desmin storage myopathy (former name). Identifiers: Orphanet 363543, Orphanet 98909, MedGen C1832370, MONDO:0011076, OMIM 601419.
Dilated cardiomyopathy 1I (CMD1I). Identifiers: Orphanet 154, MedGen C1858154, MONDO:0011482, OMIM 604765.

Submissions (2):

Fulgent Genetics
Classification: Uncertain significance for Neurogenic scapuloperoneal syndrome, Kaeser type; Desmin-related myofibrillar myopathy; Dilated cardiomyopathy 1I. Last evaluated: 2021-10-20. Review status: criteria provided, single submitter. Criteria: ACMG Guidelines, 2015. Collection method: clinical testing. Allele origin: unknown.

GeneDx
Classification: Uncertain significance. Last evaluated: 2019-11-27. Review status: criteria provided, single submitter. Criteria: GeneDx Variant Classification Process June 2021. Collection method: clinical testing. Allele origin: germline. Affected: yes.
Comment: Has not been previously published as pathogenic or benign to our knowledge; Adequate data is not available in large population cohorts to assess the frequency of this variant in publicly available databases; In silico analysis, which includes protein predictors and evolutionary conservation, supports a deleterious effect

NM_001927.4(DES):c.494A>G (p.Gln165Arg)

Gene: DES (desmin; plus strand). Cytogenetic location: 2q35.
Variant type: single nucleotide variant.
Coding change: c.494A>G on transcript NM_001927.4 (MANE Select); coding-DNA position 494, A replaced by G.
Protein change: p.Gln165Arg; replaces glutamine 165 with arginine.
Molecular consequence: missense variant.
Genome position (GRCh38, 1-based): chr2:219,418,956, A>G. VCF-style: chr2-219418956-A-G. GRCh37 (hg19) VCF-style: chr2-220283678-A-G.
Other names: c.494A>G, p.Gln165Arg (NM_001382708.1, NM_001382709.1, NM_001382710.1 and 3 more transcripts); short protein forms Q165R.
Identifiers: ClinVar variation 1310579 (VCV001310579.3), dbSNP rs1369044757, ClinGen allele CA350686649.